The following is an entry in ClinVar:

NM_000037.4(ANK1):c.2132A>G (p.Tyr711Cys)

Gene: ANK1 (ankyrin 1; minus strand). Cytogenetic location: 8p11.21.
Variant type: single nucleotide variant.
Coding change: c.2132A>G on transcript NM_000037.4 (MANE Select); coding-DNA position 2132, A replaced by G.
Protein change: p.Tyr711Cys; replaces tyrosine 711 with cysteine.
Molecular consequence: missense variant.
Genome position (GRCh38, 1-based): chr8:41,704,438, T>C on the plus strand (A>G on the coding strand, the complement: ANK1 is on the minus strand). VCF-style: chr8-41704438-T-C. GRCh37 (hg19) VCF-style: chr8-41561956-T-C.
Other names: p.Tyr711Cys; c.2231A>G, p.Tyr744Cys (NM_001142446.2); c.2132A>G, p.Tyr711Cys (NM_020475.3, NM_020476.3, NM_020477.3); c.2132A>G (NM_020476.2); short protein forms Y711C, Y744C.
Identifiers: ClinVar variation 728829 (VCV000728829.22), dbSNP rs139375455, ClinGen allele CA4728349.
Genomic context (GRCh38, chr8:41,704,438, plus strand): 5'-GTCTTGGCATTGACATCTGCCTGGTGCTGCAGCAGAAACTTCACCAGCTTGATGTTTCCA[T>C]AGTGACTGGCCACATGGAGGGGAGTGTAGCCCATCTGAAAAGCAGATGAGAAGGAGTGAC-3'
Protein context (NP_000028.3, residues 701-721): GYTPLHVASH[Tyr711Cys]GNIKLVKFLL

ClinVar aggregate classification (germline): Conflicting classifications of pathogenicity. Review status: criteria provided, conflicting classifications (1 of 4 stars). 4 submissions from 4 submitters: Uncertain significance (1); Likely benign (2). 1 of the submissions does not count toward it. Last evaluated 2025-10-09.

Conditions:
Hereditary spherocytosis type 1. Also called: Spherocytosis type 1; ANK1-Related Spherocytosis. Identifiers: Orphanet 822, MedGen C2674218, MONDO:0008447, OMIM 182900.
ANK1-related disorder. Also called: ANK1-related condition.

Allele frequency attached by ClinVar (database versions not stated): gnomAD exomes 0.00009 and 0.00024; ExAC 0.00034; 1000 Genomes Project 0.00040; 1000 Genomes Project 30x 0.00062; gnomAD 0.00084 and 0.00093; TOPMed 0.00095; ESP Exome Variant Server 0.00131.
gnomAD v4.1: 270 of 1,614,130 alleles (0.017%); highest among the groups gnomAD compares: African/African-American, 0.32%; 1 homozygote.

Submissions (4):

Labcorp Genetics (formerly Invitae), Labcorp
Classification: Likely benign. Last evaluated: 2025-10-09. Review status: criteria provided, single submitter. Criteria: Invitae Variant Classification Sherloc (09022015). Collection method: clinical testing. Allele origin: germline.

Mayo Clinic Laboratories, Mayo Clinic
Classification: Uncertain significance. Last evaluated: 2025-08-13. Review status: criteria provided, single submitter. Criteria: ACMG Guidelines, 2015. Collection method: clinical testing. Allele origin: germline. Observed: 4 variant alleles.

ARUP Laboratories, Molecular Genetics and Genomics, ARUP Laboratories
Classification: Likely benign for Hereditary spherocytosis type 1. Last evaluated: 2024-08-30. Review status: criteria provided, single submitter. Criteria: ARUP Molecular Germline Variant Investigation Process 2024. Collection method: clinical testing. Allele origin: germline.

PreventionGenetics, part of Exact Sciences
Classification: Likely benign for ANK1-related condition. Last evaluated: 2022-09-01. Review status: no assertion criteria provided. Collection method: clinical testing. Allele origin: germline. Not counted in ClinVar's aggregate classification.
Comment: This variant is classified as likely benign based on ACMG/AMP sequence variant interpretation guidelines (Richards et al. 2015 PMID: 25741868, with internal and published modifications).